The following is an entry in ClinVar:

ClinVar aggregate classification (germline): Uncertain significance (1 of 4 stars; one submission).

Submission:

Ambry Genetics
Classification: Uncertain significance. Last evaluated: 2025-10-22. Review status: criteria provided, single submitter. Criteria: Ambry Variant Classification Scheme 2023. Collection method: clinical testing. Allele origin: germline.
Comment: The p.P1377L variant (also known as c.4130C>T), located in coding exon 19 of the WNK2 gene, results from a C to T substitution at nucleotide position 4130. The proline at codon 1377 is replaced by leucine, an amino acid with similar properties. This amino acid position is conserved. In addition, this alteration is predicted to be tolerated by in silico analysis. Based on the available evidence, the clinical significance of this variant remains unclear.

NM_006648.4(WNK2):c.4130C>T (p.Pro1377Leu)

Gene: WNK2 (WNK lysine deficient protein kinase 2; plus strand). Cytogenetic location: 9q22.31.
Variant type: single nucleotide variant.
Coding change: c.4130C>T on transcript NM_006648.4 (MANE Select); coding-DNA position 4130, C replaced by T.
Protein change: p.Pro1377Leu; replaces proline 1377 with leucine.
Molecular consequence: missense variant.
Genome position (GRCh38, 1-based): chr9:93,288,884, C>T. VCF-style: chr9-93288884-C-T. GRCh37 (hg19) VCF-style: chr9-96051166-C-T.
Other names: c.4241C>T, p.Pro1414Leu (NM_001282394.3); short protein forms P1377L, P1414L.
Identifiers: ClinVar variation 4605288 (VCV004605288.1).